The following is an entry in ClinVar:

ClinVar aggregate classification (germline): Uncertain significance (1 of 4 stars; one submission).

Conditions:
Hereditary cancer-predisposing syndrome. Also called: Neoplastic Syndromes, Hereditary; Tumor predisposition; Hereditary Cancer Syndrome; Hereditary neoplastic syndrome. Identifiers: Orphanet 140162, MedGen C0027672, MeSH D009386, MONDO:0015356.

Submission:

Ambry Genetics
Classification: Uncertain significance for Hereditary cancer-predisposing syndrome. Last evaluated: 2024-12-09. Review status: criteria provided, single submitter. Criteria: Ambry Variant Classification Scheme 2023. Collection method: clinical testing. Allele origin: germline.
Comment: The p.R196P variant (also known as c.587G>C), located in coding exon 6 of the NF2 gene, results from a G to C substitution at nucleotide position 587. The arginine at codon 196 is replaced by proline, an amino acid with dissimilar properties. This amino acid position is conserved. In addition, this alteration is predicted to be deleterious by in silico analysis. Based on the available evidence, the clinical significance of this variant remains unclear.

NM_000268.4(NF2):c.587G>C (p.Arg196Pro)

Gene: NF2 (NF2, moesin-ezrin-radixin like (MERLIN) tumor suppressor; plus strand). Cytogenetic location: 22q12.2.
Variant type: single nucleotide variant.
Coding change: c.587G>C on transcript NM_000268.4 (MANE Select); coding-DNA position 587, G replaced by C.
Protein change: p.Arg196Pro; replaces arginine 196 with proline.
Molecular consequence: missense variant. On other transcripts: intron variant (1).
Genome position (GRCh38, 1-based): chr22:29,655,664, G>C. VCF-style: chr22-29655664-G-C. GRCh37 (hg19) VCF-style: chr22-30051653-G-C.
Other names: c.473G>C, p.Arg158Pro (NM_001407053.1, NM_001407056.1); c.464G>C, p.Arg155Pro (NM_001407054.1, NM_001407058.1, NM_001407062.1 and 1 more transcripts); c.461G>C, p.Arg154Pro (NM_001407055.1, NM_181828.3); c.587G>C, p.Arg196Pro (NM_001407057.1, NM_001407059.1, NM_001407060.1 and 4 more transcripts); c.338G>C, p.Arg113Pro (NM_001407063.1, NM_001407064.1, NM_181830.3 and 1 more transcripts); c.53G>C, p.Arg18Pro (NM_001407065.1); c.356G>C, p.Arg119Pro (NM_001407067.1); c.447+13379G>C (NM_181833.3); short protein forms R113P, R119P, R154P, R158P, R196P, R155P, R18P.
Identifiers: ClinVar variation 3405030 (VCV003405030.1).